The following is an entry in ClinVar:

NM_006070.6(TFG):c.237G>T (p.Gln79His)

Gene: TFG (trafficking from ER to golgi regulator; plus strand). Cytogenetic location: 3q12.2.
Variant type: single nucleotide variant.
Coding change: c.237G>T on transcript NM_006070.6 (MANE Select); coding-DNA position 237, G replaced by T.
Protein change: p.Gln79His; replaces glutamine 79 with histidine.
Molecular consequence: missense variant.
Genome position (GRCh38, 1-based): chr3:100,720,027, G>T. VCF-style: chr3-100720027-G-T. GRCh37 (hg19) VCF-style: chr3-100438871-G-T.
Other names: c.237G>T, p.Gln79His (NM_001007565.2, NM_001195478.2, NM_001195479.2); short protein forms Q79H.
Identifiers: ClinVar variation 658735 (VCV000658735.8), dbSNP rs1173009495, ClinGen allele CA353839376.

ClinVar aggregate classification (germline): Uncertain significance (1 of 4 stars; one submission).

Conditions:
Hereditary motor and sensory neuropathy, Okinawa type (HMSNO). Also called: HEREDITARY MOTOR AND SENSORY NEUROPATHY, PROXIMAL TYPE. Identifiers: Orphanet 90117, MedGen C1858338, MONDO:0011468, OMIM 604484.
Hereditary spastic paraplegia 57. Also called: Spastic paraplegia 57, autosomal recessive. Identifiers: Orphanet 431329, MedGen C3714897, MONDO:0014295, OMIM 615658.

Allele frequency attached by ClinVar (database versions not stated): gnomAD exomes below 0.00001.
gnomAD v4.1: 1 of 1,576,102 alleles (0.000063%); highest among the groups gnomAD compares: Non-Finnish European, 0.000086%; no homozygotes.

Submission:

Labcorp Genetics (formerly Invitae), Labcorp
Classification: Uncertain significance for Hereditary motor and sensory neuropathy, Okinawa type; Hereditary spastic paraplegia 57. Last evaluated: 2025-08-17. Review status: criteria provided, single submitter. Criteria: Invitae Variant Classification Sherloc (09022015). Collection method: clinical testing. Allele origin: germline.
Comment: This sequence change replaces glutamine, which is neutral and polar, with histidine, which is basic and polar, at codon 79 of the TFG protein (p.Gln79His). This variant is not present in population databases (gnomAD no frequency). This variant has not been reported in the literature in individuals affected with TFG-related conditions. ClinVar contains an entry for this variant (Variation ID: 658735). Invitae Evidence Modeling of protein sequence and biophysical properties (such as structural, functional, and spatial information, amino acid conservation, physicochemical variation, residue mobility, and thermodynamic stability) indicates that this missense variant is not expected to disrupt TFG protein function with a negative predictive value of 80%. In summary, the available evidence is currently insufficient to determine the role of this variant in disease. Therefore, it has been classified as a Variant of Uncertain Significance.